The following is an entry in ClinVar:

NM_020297.4(ABCC9):c.48C>A (p.Asn16Lys)

Gene: ABCC9 (ATP binding cassette subfamily C member 9; minus strand). Cytogenetic location: 12p12.1.
Variant type: single nucleotide variant.
Coding change: c.48C>A on transcript NM_020297.4 (MANE Select); coding-DNA position 48, C replaced by A.
Protein change: p.Asn16Lys; replaces asparagine 16 with lysine.
Molecular consequence: missense variant. On other transcripts: 5 prime UTR variant (1).
Genome position (GRCh38, 1-based): chr12:21,936,627, G>T on the plus strand (C>A on the coding strand, the complement: ABCC9 is on the minus strand). VCF-style: chr12-21936627-G-T. GRCh37 (hg19) VCF-style: chr12-22089561-G-T.
Other names: c.48C>A, p.Asn16Lys (NM_001377273.1, NM_005691.4); c.-407C>A (NM_001377274.1); short protein forms N16K.
Identifiers: ClinVar variation 1520425 (VCV001520425.8), dbSNP rs199631710, ClinGen allele CA384133874.

ClinVar aggregate classification (germline): Uncertain significance (1 of 4 stars; one submission).

Conditions:
Dilated cardiomyopathy 1O (CMD1O). Also called: CARDIOMYOPATHY, DILATED, WITH VENTRICULAR TACHYCARDIA. Identifiers: Orphanet 154, MedGen C1837839, MONDO:0012062, OMIM 608569.

Submission:

Labcorp Genetics (formerly Invitae), Labcorp
Classification: Uncertain significance for Dilated cardiomyopathy 1O. Last evaluated: 2021-07-20. Review status: criteria provided, single submitter. Criteria: Invitae Variant Classification Sherloc (09022015). Collection method: clinical testing. Allele origin: germline.
Comment: Algorithms developed to predict the effect of sequence changes on RNA splicing suggest that this variant may create or strengthen a splice site. In summary, the available evidence is currently insufficient to determine the role of this variant in disease. Therefore, it has been classified as a Variant of Uncertain Significance. Algorithms developed to predict the effect of missense changes on protein structure and function output the following: SIFT: "Tolerated"; PolyPhen-2: "Benign"; Align-GVGD: "Class C0". The lysine amino acid residue is found in multiple mammalian species, which suggests that this missense change does not adversely affect protein function. This variant has not been reported in the literature in individuals affected with ABCC9-related conditions. This variant is not present in population databases (ExAC no frequency). This sequence change replaces asparagine with lysine at codon 16 of the ABCC9 protein (p.Asn16Lys). The asparagine residue is weakly conserved and there is a moderate physicochemical difference between asparagine and lysine.